The following is an entry in ClinVar:

ClinVar aggregate classification (germline): Uncertain significance. Review status: criteria provided, multiple submitters, no conflicts (2 of 4 stars). 2 submissions from 2 submitters: Uncertain significance (2). Last evaluated 2025-06-20.

Conditions:
Gorlin syndrome. Also called: Basal cell nevus syndrome; Nevoid Basal Cell Carcinoma Syndrome. Identifiers: Orphanet 377, MedGen C0004779, MONDO:0007187.
Hereditary cancer-predisposing syndrome. Also called: Hereditary Cancer Syndrome; Tumor predisposition; Neoplastic Syndromes, Hereditary; Hereditary neoplastic syndrome. Identifiers: Orphanet 140162, MedGen C0027672, MeSH D009386, MONDO:0015356.

Submissions (2):

Ambry Genetics
Classification: Uncertain significance for Hereditary cancer-predisposing syndrome. Last evaluated: 2025-06-20. Review status: criteria provided, single submitter. Criteria: Ambry Variant Classification Scheme 2023. Collection method: clinical testing. Allele origin: germline.
Comment: The p.E667V variant (also known as c.2000A>T), located in coding exon 14 of the PTCH1 gene, results from an A to T substitution at nucleotide position 2000. The glutamic acid at codon 667 is replaced by valine, an amino acid with dissimilar properties. This amino acid position is conserved. In addition, this alteration is predicted to be deleterious by in silico analysis. Based on the available evidence, the clinical significance of this variant remains unclear.

Labcorp Genetics (formerly Invitae), Labcorp
Classification: Uncertain significance for Gorlin syndrome. Last evaluated: 2024-04-29. Review status: criteria provided, single submitter. Criteria: Invitae Variant Classification Sherloc (09022015). Collection method: clinical testing. Allele origin: germline.
Comment: This sequence change replaces glutamic acid, which is acidic and polar, with valine, which is neutral and non-polar, at codon 667 of the PTCH1 protein (p.Glu667Val). This variant is not present in population databases (gnomAD no frequency). This variant has not been reported in the literature in individuals affected with PTCH1-related conditions. ClinVar contains an entry for this variant (Variation ID: 2105840). Advanced modeling of protein sequence and biophysical properties (such as structural, functional, and spatial information, amino acid conservation, physicochemical variation, residue mobility, and thermodynamic stability) performed at Invitae indicates that this missense variant is not expected to disrupt PTCH1 protein function with a negative predictive value of 95%. In summary, the available evidence is currently insufficient to determine the role of this variant in disease. Therefore, it has been classified as a Variant of Uncertain Significance.

NM_000264.5(PTCH1):c.2000A>T (p.Glu667Val)

Genes: PTCH1 (patched 1; minus strand), LOC100507346 (uncharacterized LOC100507346; plus strand). Cytogenetic location: 9q22.32.
Variant type: single nucleotide variant.
Coding change: c.2000A>T on transcript NM_000264.5 (MANE Select); coding-DNA position 2000, A replaced by T.
Protein change: p.Glu667Val; replaces glutamic acid 667 with valine.
Molecular consequence: missense variant. On other transcripts: non-coding transcript variant (2).
Genome position (GRCh38, 1-based): chr9:95,469,001, T>A on the plus strand (A>T on the coding strand, the complement: PTCH1 is on the minus strand). VCF-style: chr9-95469001-T-A. GRCh37 (hg19) VCF-style: chr9-98231283-T-A.
Other names: c.1802A>T, p.Glu601Val (NM_001083602.3); c.1997A>T, p.Glu666Val (NM_001083603.3); c.1547A>T, p.Glu516Val (NM_001083604.3, NM_001083605.3, NM_001083606.3 and 1 more transcripts); c.1844A>T, p.Glu615Val (NM_001354918.2); short protein forms E615V, E666V, E667V, E516V, E601V.
Identifiers: ClinVar variation 2105840 (VCV002105840.5), dbSNP rs2118046932, ClinGen allele CA374115870.
Genomic context (GRCh38, chr9:95,469,001, plus strand): 5'-ACAGAGATCTCGGAGCGCGGCTCAGCGGTGGTGTAGTACACGTGCGTGTGGGGGTCGTAC[T>A]CCGTGCGGAGCTGGACAGTGGACTGCATGGTAATCTGCGTTTCATGGGCAAAGCTGTGGC-3'
Protein context (NP_000255.2, residues 657-677): TMQSTVQLRT[Glu667Val]YDPHTHVYYT